The following is an entry in ClinVar:

NM_152309.3(PIK3AP1):c.1670-3T>C

Gene: PIK3AP1 (phosphoinositide-3-kinase adaptor protein 1; minus strand). Cytogenetic location: 10q24.1.
Variant type: single nucleotide variant.
Coding change: c.1670-3T>C on transcript NM_152309.3 (MANE Select); 3 bases into the intron before coding-DNA position 1670, T replaced by C.
Molecular consequence: intron variant.
Genome position (GRCh38, 1-based): chr10:96,623,540, A>G on the plus strand (T>C on the coding strand, the complement: PIK3AP1 is on the minus strand). VCF-style: chr10-96623540-A-G. GRCh37 (hg19) VCF-style: chr10-98383297-A-G.
Identifiers: ClinVar variation 541752 (VCV000541752.10), dbSNP rs567983975, ClinGen allele CA212604803.

ClinVar aggregate classification (germline): Uncertain significance (1 of 4 stars; one submission).

Conditions:
Infantile spasms. Also called: Infantile spasm. Identifiers: MedGen C3887898, HP:0012469.

Allele frequency attached by ClinVar (database versions not stated): TOPMed 0.00002; gnomAD 0.00001; gnomAD exomes 0.00001.
gnomAD v4.1: 13 of 1,597,576 alleles (0.00081%); highest among the groups gnomAD compares: African/African-American, 0.011%; no homozygotes.

Submission:

Labcorp Genetics (formerly Invitae), Labcorp
Classification: Uncertain significance for Infantile spasms. Last evaluated: 2024-02-21. Review status: criteria provided, single submitter. Criteria: Invitae Variant Classification Sherloc (09022015). Collection method: clinical testing. Allele origin: germline.
Comment: This sequence change falls in intron 10 of the PIK3AP1 gene. It does not directly change the encoded amino acid sequence of the PIK3AP1 protein. It affects a nucleotide within the consensus splice site. This variant is present in population databases (rs567983975, gnomAD 0.01%). This variant has not been reported in the literature in individuals affected with PIK3AP1-related conditions. ClinVar contains an entry for this variant (Variation ID: 541752). Variants that disrupt the consensus splice site are a relatively common cause of aberrant splicing (PMID: 17576681, 9536098). Algorithms developed to predict the effect of sequence changes on RNA splicing suggest that this variant is not likely to affect RNA splicing. In summary, the available evidence is currently insufficient to determine the role of this variant in disease. Therefore, it has been classified as a Variant of Uncertain Significance.

Literature cited by the submitters: PubMed 17576681; PubMed 9536098.